The following is an entry in ClinVar:

NM_016734.3(PAX5):c.465T>A (p.Ser155Arg)

Genes: PAX5 (paired box 5; minus strand), LOC105376032 (uncharacterized LOC105376032; plus strand). Cytogenetic location: 9p13.2.
Variant type: single nucleotide variant.
Coding change: c.465T>A on transcript NM_016734.3 (MANE Select); coding-DNA position 465, T replaced by A.
Protein change: p.Ser155Arg; replaces serine 155 with arginine.
Molecular consequence: missense variant. On other transcripts: non-coding transcript variant (2).
Genome position (GRCh38, 1-based): chr9:37,006,483, A>T on the plus strand (T>A on the coding strand, the complement: PAX5 is on the minus strand). VCF-style: chr9-37006483-A-T. GRCh37 (hg19) VCF-style: chr9-37006480-A-T.
Other names: c.465T>A, p.Ser155Arg (NM_001280547.2, NM_001280548.2, NM_001280549.2 and 4 more transcripts); c.141T>A, p.Ser47Arg (NM_001280551.2, NM_001280556.2); c.267T>A, p.Ser89Arg (NM_001280555.2); short protein forms S155R, S47R, S89R.
Identifiers: ClinVar variation 5026300 (VCV005026300.1).

ClinVar aggregate classification (germline): Uncertain significance (1 of 4 stars; one submission).

Conditions:
Inborn genetic diseases. Identifiers: MedGen C0950123, MeSH D030342.

Submission:

Ambry Genetics
Classification: Uncertain significance for Inborn genetic diseases. Last evaluated: 2026-07-16. Review status: criteria provided, single submitter. Criteria: Ambry Variant Classification Scheme 2023. Collection method: clinical testing. Allele origin: germline.
Comment: The p.S155R variant (also known as c.465T>A), located in coding exon 4 of the PAX5 gene, results from a T to A substitution at nucleotide position 465. The serine at codon 155 is replaced by arginine, an amino acid with dissimilar properties. This amino acid position is conserved. In addition, the in silico prediction for this alteration is inconclusive. Based on the available evidence, the clinical significance of this variant remains unclear.